The following is an entry in ClinVar:

NM_024301.5(FKRP):c.265C>G (p.Pro89Ala)

Gene: FKRP (fukutin related protein; plus strand). Cytogenetic location: 19q13.32.
Variant type: single nucleotide variant.
Coding change: c.265C>G on transcript NM_024301.5 (MANE Select); coding-DNA position 265, C replaced by G.
Protein change: p.Pro89Ala; replaces proline 89 with alanine.
Molecular consequence: missense variant.
Genome position (GRCh38, 1-based): chr19:46,755,715, C>G. VCF-style: chr19-46755715-C-G. GRCh37 (hg19) VCF-style: chr19-47258972-C-G.
Other names: c.265C>G (NM_024301.4); c.265C>G, p.Pro89Ala (NM_001039885.3); short protein forms P89A.
Identifiers: ClinVar variation 2732525 (VCV002732525.6), dbSNP rs1293404628, ClinGen allele CA406494993.

ClinVar aggregate classification (germline): Pathogenic/Likely pathogenic. Review status: criteria provided, multiple submitters, no conflicts (2 of 4 stars). 3 submissions from 3 submitters: Pathogenic (1); Likely pathogenic (2). Last evaluated 2025-05-13.

Conditions:
Walker-Warburg congenital muscular dystrophy. Also called: Muscular dystrophy-dystroglycanopathy, type A; Walker-Warburg syndrome. Identifiers: Orphanet 899, MedGen C0265221, MONDO:0000171.
Autosomal recessive limb-girdle muscular dystrophy type 2I. Also called: MUSCULAR DYSTROPHY-DYSTROGLYCANOPATHY (LIMB-GIRDLE), TYPE C, 5; MUSCULAR DYSTROPHY-DYSTROGLYCANOPATHY, LIMB-GIRDLE, FRKP-RELATED; MUSCULAR DYSTROPHY, LIMB-GIRDLE, TYPE 2I. Identifiers: Orphanet 34515, MedGen C1846672, MONDO:0011787, OMIM 607155.
Muscular dystrophy-dystroglycanopathy (congenital with brain and eye anomalies), type A5. Also called: MUSCULAR DYSTROPHY-DYSTROGLYCANOPATHY (CONGENITAL WITH BRAIN AND EYE ANOMALIES), TYPE A, 5; WALKER-WARBURG SYNDROME OR MUSCLE-EYE-BRAIN DISEASE, FKRP-RELATED. Identifiers: Orphanet 588, Orphanet 899, MedGen C3150413, MONDO:0013157, OMIM 613153.

Submissions (3):

Natera, Inc.
Classification: Likely pathogenic for Limb-girdle muscular dystrophy type 2I. Last evaluated: 2025-05-13. Review status: criteria provided, single submitter. Criteria: Natera Variant Classification Schema (03/2026). Collection method: clinical testing. Allele origin: germline.
Comment: The c.265C>G variant in FKRP is a missense variant predicted to cause substitution of proline to alanine at amino acid 89. This variant is rare in the general population with a frequency below the threshold expected for the associated phenotype(s). This variant has been observed in one or more individuals affected with the associated recessive disease, as either homozygous or compound heterozygous with a second variant (PMID: 17113772). Additionally, this variant has been observed to segregate in affected family members (PMID: 17113772). Computational prediction algorithms indicate this variant is likely to affect gene or protein function. Given the available evidence, this variant is classified as Likely Pathogenic.

Baylor Genetics
Classification: Likely pathogenic for Muscular dystrophy-dystroglycanopathy (congenital with brain and eye anomalies), type A5. Last evaluated: 2024-02-15. Review status: criteria provided, single submitter. Criteria: ACMG Guidelines, 2015. Collection method: clinical testing. Allele origin: unknown.

Labcorp Genetics (formerly Invitae), Labcorp
Classification: Pathogenic for Walker-Warburg congenital muscular dystrophy. Last evaluated: 2023-08-11. Review status: criteria provided, single submitter. Criteria: Invitae Variant Classification Sherloc (09022015). Collection method: clinical testing. Allele origin: germline.
Comment: Advanced modeling of protein sequence and biophysical properties (such as structural, functional, and spatial information, amino acid conservation, physicochemical variation, residue mobility, and thermodynamic stability) performed at Invitae indicates that this missense variant is expected to disrupt FKRP protein function. This missense change has been observed in individual(s) with limb-girdle muscular dystrophy (PMID: 17113772). In at least one individual the data is consistent with being in trans (on the opposite chromosome) from a pathogenic variant. It has also been observed to segregate with disease in related individuals. This sequence change replaces proline, which is neutral and non-polar, with alanine, which is neutral and non-polar, at codon 89 of the FKRP protein (p.Pro89Ala). This variant is not present in population databases (gnomAD no frequency). This variant disrupts the p.Pro89 amino acid residue in FKRP. Other variant(s) that disrupt this residue have been determined to be pathogenic (PMID: 6368217, 17446099, 18639457, 18691338). This suggests that this residue is clinically significant, and that variants that disrupt this residue are likely to be disease-causing. For these reasons, this variant has been classified as Pathogenic.

Literature cited by the submitters: PubMed 17113772 (cited by Natera, Inc. and Labcorp Genetics (formerly Invitae), Labcorp); PubMed 6368217 (cited by Labcorp Genetics (formerly Invitae), Labcorp); PubMed 17446099 (cited by Labcorp Genetics (formerly Invitae), Labcorp); PubMed 18639457 (cited by Labcorp Genetics (formerly Invitae), Labcorp); PubMed 18691338 (cited by Labcorp Genetics (formerly Invitae), Labcorp).